The following is an entry in ClinVar:

ClinVar aggregate classification (germline): Uncertain significance (1 of 4 stars; one submission).

Submission:

CeGaT Center for Human Genetics Tuebingen
Classification: Uncertain significance. Last evaluated: 2022-10-01. Review status: criteria provided, single submitter. Criteria: CeGaT Center For Human Genetics Tuebingen Variant Classification Criteria Version 2. Collection method: clinical testing. Allele origin: germline. Affected: yes. Observed: 1 variant allele.
Comment: SETBP1: PM2, BP4

NM_015559.3(SETBP1):c.773C>T (p.Ala258Val)

Gene: SETBP1 (SET binding protein 1; plus strand). Cytogenetic location: 18q12.3.
Variant type: single nucleotide variant.
Coding change: c.773C>T on transcript NM_015559.3 (MANE Select); coding-DNA position 773, C replaced by T.
Protein change: p.Ala258Val; replaces alanine 258 with valine.
Molecular consequence: missense variant.
Genome position (GRCh38, 1-based): chr18:44,950,113, C>T. VCF-style: chr18-44950113-C-T. GRCh37 (hg19) VCF-style: chr18-42530078-C-T.
Other names: c.773C>T, p.Ala258Val (NM_001379141.1, NM_001379142.1, NM_001410862.1); short protein forms A258V.
Identifiers: ClinVar variation 2648690 (VCV002648690.24), dbSNP rs2511464945, ClinGen allele CA402316808.